The following is an entry in ClinVar:

NM_001367561.1(DOCK7):c.3616_3619del (p.Phe1206fs)

Gene: DOCK7 (dedicator of cytokinesis 7; minus strand). Cytogenetic location: 1p31.3.
Variant type: Deletion.
Coding change: c.3616_3619del on transcript NM_001367561.1 (MANE Select); coding-DNA positions 3616 to 3619, 4 bases deleted (TTTG; older notation c.3616_3619delTTTG).
Protein change: p.Phe1206fs; shifts the reading frame from phenylalanine 1206.
Molecular consequence: frameshift variant.
Genome position (GRCh38, 1-based): chr1:62,529,439-62,529,442, CAAA deleted on the plus strand (TTTG on the coding strand, the reverse complement: DOCK7 is on the minus strand); deleting any 4 consecutive bases within chr1:62,529,439-62,529,444 gives the same sequence; the c. name uses the placement nearest the transcript's 3' end. VCF-style (leftmost placement, unchanged base first): chr1-62529438-CCAAA-C. GRCh37 (hg19) VCF-style: chr1-62995109-CCAAA-C.
Other names: c.3616_3619del, p.Phe1206fs (NM_001271999.2, NM_001330614.2); c.3523_3526del, p.Phe1175fs (NM_001272000.2, NM_001272001.2, NM_033407.4); short protein forms F1206fs, F1175fs.
Identifiers: ClinVar variation 4724627 (VCV004724627.3).

ClinVar aggregate classification (germline): Pathogenic/Likely pathogenic. Review status: criteria provided, multiple submitters, no conflicts (2 of 4 stars). 2 submissions from 2 submitters: Pathogenic (1); Likely pathogenic (1). Last evaluated 2025-09-24.

Conditions:
Developmental and epileptic encephalopathy, 23 (DEE23). Also called: Epileptic encephalopathy, early infantile, 23. Identifiers: Orphanet 411986, MedGen C4014492, MONDO:0014371, OMIM 615859.

Submissions (2):

Labcorp Genetics (formerly Invitae), Labcorp
Classification: Pathogenic for Developmental and epileptic encephalopathy, 23. Last evaluated: 2025-09-24. Review status: criteria provided, single submitter. Criteria: Invitae Variant Classification Sherloc (09022015). Collection method: clinical testing. Allele origin: germline.
Comment: This sequence change creates a premature translational stop signal (p.Phe1206Aspfs*28) in the DOCK7 gene. It is expected to result in an absent or disrupted protein product. Loss-of-function variants in DOCK7 are known to be pathogenic (PMID: 24814191). This variant is not present in population databases (gnomAD no frequency). This variant has not been reported in the literature in individuals affected with DOCK7-related conditions. For these reasons, this variant has been classified as Pathogenic.

Dasa
Classification: Likely pathogenic. Last evaluated: 2024-09-17. Review status: criteria provided, single submitter. Criteria: DASA Assertion Criteria. Collection method: clinical testing. Allele origin: germline.
Comment: NM_001367561.1(DOCK7):c.3616_3619del (p.Phe1206Aspfs*28) is a frameshift variant in DOCK7 predicted to alter the reading frame and introduce a premature termination codon and is predicted to result in an absent or altered protein product. Loss of function is an established disease mechanism for DOCK7-associated disorders. Also, this variant is rare in population databases. Based on the currently available evidence, this variant is classified as likely pathogenic.

Literature cited by the submitters: PubMed 24814191 (cited by Labcorp Genetics (formerly Invitae), Labcorp).